The following is an entry in ClinVar:

NM_001134831.2(AHI1):c.707A>C (p.Lys236Thr)

Gene: AHI1 (Abelson helper integration site 1; minus strand). Cytogenetic location: 6q23.3.
Variant type: single nucleotide variant.
Coding change: c.707A>C on transcript NM_001134831.2 (MANE Select); coding-DNA position 707, A replaced by C.
Protein change: p.Lys236Thr; replaces lysine 236 with threonine.
Molecular consequence: missense variant.
Genome position (GRCh38, 1-based): chr6:135,465,856, T>G on the plus strand (A>C on the coding strand, the complement: AHI1 is on the minus strand). VCF-style: chr6-135465856-T-G. GRCh37 (hg19) VCF-style: chr6-135786994-T-G.
Other names: c.707A>C, p.Lys236Thr (NM_001134830.2, NM_001134832.2, NM_001350503.2 and 2 more transcripts); c.707A>C (NM_017651.4); short protein forms K236T.
Identifiers: ClinVar variation 2099115 (VCV002099115.2), dbSNP rs1017983212, ClinGen allele CA148148895.

ClinVar aggregate classification (germline): Uncertain significance. Review status: criteria provided, multiple submitters, no conflicts (2 of 4 stars). 2 submissions from 2 submitters: Uncertain significance (2). Last evaluated 2024-05-10.

Conditions:
Joubert syndrome. Also called: CEREBELLOPARENCHYMAL DISORDER IV; JOUBERT-BOLTSHAUSER SYNDROME; Familial aplasia of the vermis. Identifiers: Orphanet 475, MedGen C5979921, MONDO:0018772.
Joubert syndrome 3 (JBTS3). Also called: AHI1-related Ciliopathy. Identifiers: Orphanet 220493, MedGen C1837713, MONDO:0012078, OMIM 608629.

Allele frequency attached by ClinVar (database versions not stated): gnomAD exomes below 0.00001; TOPMed 0.00001.
gnomAD v4.1: 2 of 1,487,276 alleles (0.00013%); highest among the groups gnomAD compares: African/African-American, 0.0028%; no homozygotes.

Submissions (2):

Fulgent Genetics
Classification: Uncertain significance for Joubert syndrome 3. Last evaluated: 2024-05-10. Review status: criteria provided, single submitter. Criteria: ACMG Guidelines, 2015. Collection method: clinical testing. Allele origin: germline.

Labcorp Genetics (formerly Invitae), Labcorp
Classification: Uncertain significance for Joubert syndrome. Last evaluated: 2022-04-28. Review status: criteria provided, single submitter. Criteria: Invitae Variant Classification Sherloc (09022015). Collection method: clinical testing. Allele origin: germline.
Comment: This sequence change replaces lysine, which is basic and polar, with threonine, which is neutral and polar, at codon 236 of the AHI1 protein (p.Lys236Thr). This variant is not present in population databases (gnomAD no frequency). This variant has not been reported in the literature in individuals affected with AHI1-related conditions. Advanced modeling of protein sequence and biophysical properties (such as structural, functional, and spatial information, amino acid conservation, physicochemical variation, residue mobility, and thermodynamic stability) performed at Invitae indicates that this missense variant is not expected to disrupt AHI1 protein function. In summary, the available evidence is currently insufficient to determine the role of this variant in disease. Therefore, it has been classified as a Variant of Uncertain Significance.